The following is an entry in ClinVar:

ClinVar aggregate classification (germline): Uncertain significance (1 of 4 stars; one submission).

Submissions (4):

Women's Health and Genetics/Laboratory Corporation of America, LabCorp
Classification: Uncertain significance. Last evaluated: 2025-04-01. Review status: criteria provided, single submitter. Criteria: LabCorp Variant Classification Summary - May 2015. Collection method: clinical testing. Allele origin: germline.
Comment: Variant summary: PHEX c.589C>A (p.Gln197Lys) results in a conservative amino acid change in the encoded protein sequence. Four of five in-silico tools predict a benign effect of the variant on protein function. The variant was absent in 183360 control chromosomes. The available data on variant occurrences in the general population are insufficient to allow any conclusion about variant significance. To our knowledge, no occurrence of c.589C>A in individuals affected with X-Linked Hypophosphatemic Rickets and no experimental evidence demonstrating its impact on protein function have been reported. No submitters have cited clinical-significance assessments for this variant to ClinVar. Based on the evidence outlined above, the variant was classified as uncertain significance.

Dr. Peter K. Rogan Lab, Western University
No classification provided (evidence only). Condition: Thyroid cancer, nonmedullary, 1. Review status: no classification provided. Collection method: in vitro. Allele origin: not applicable. Functional consequence: retained intron. Not counted in ClinVar's aggregate classification.

Dr. Peter K. Rogan Lab, Western University
No classification provided (evidence only). Condition: Thyroid cancer, nonmedullary, 1. Review status: no classification provided. Collection method: in vitro. Allele origin: not applicable. Functional consequence: retained intron. Not counted in ClinVar's aggregate classification.

Dr. Peter K. Rogan Lab, Western University
No classification provided (evidence only). Condition: Thyroid cancer, nonmedullary, 1. Review status: no classification provided. Collection method: in vitro. Allele origin: not applicable. Functional consequence: retained intron. Not counted in ClinVar's aggregate classification.

NM_000444.6(PHEX):c.589C>A (p.Gln197Lys)

Gene: PHEX (phosphate regulating endopeptidase X-linked; plus strand). Cytogenetic location: Xp22.11.
Variant type: single nucleotide variant.
Coding change: c.589C>A on transcript NM_000444.6 (MANE Select); coding-DNA position 589, C replaced by A.
Protein change: p.Gln197Lys; replaces glutamine 197 with lysine.
Molecular consequence: missense variant.
Genome position (GRCh38, 1-based): chrX:22,077,628, C>A. VCF-style: chrX-22077628-C-A. GRCh37 (hg19) VCF-style: chrX-22095746-C-A.
Other names: NC_000023.10:g.22095746C>A; c.589C>A, p.Gln197Lys (NM_001282754.2); short protein forms Q197K.
Identifiers: ClinVar variation 3896567 (VCV003896567.3).